The following is an entry in ClinVar:

NM_000039.3(APOA1):c.532_533dup (p.His179fs)

Gene: APOA1 (apolipoprotein A1; minus strand). Cytogenetic location: 11q23.3.
Variant type: Microsatellite.
Coding change: c.532_533dup on transcript NM_000039.3 (MANE Select); coding-DNA positions 532 to 533, 2 bases duplicated (GC; older notation c.532_533dupGC).
Protein change: p.His179fs; shifts the reading frame from histidine 179.
Molecular consequence: frameshift variant.
Genome position (GRCh38, 1-based): chr11:116,836,079-116,836,080, GC duplicated on the plus strand (GC on the coding strand, the reverse complement: APOA1 is on the minus strand); duplicating any 2 consecutive bases within chr11:116,836,079-116,836,089 gives the same sequence; the c. name uses the placement nearest the transcript's 3' end. VCF-style (leftmost placement, unchanged base first): chr11-116836078-G-GGC. GRCh37 (hg19) VCF-style: chr11-116706794-G-GGC.
Other names: c.532_533dup, p.His179fs (NM_001318017.2, NM_001318018.2); c.196_197CG[6], p.His70Profs (NM_001318021.2); c.532_533dup (NM_000039.2); c.532_533dupGC (NM_000039.1); short protein forms H179fs, H70fs.
Identifiers: ClinVar variation 565272 (VCV000565272.12), dbSNP rs781350389, ClinGen allele CA658821170.
Genomic context (GRCh38, chr11:116,836,078, plus strand): 5'-CAAGCGCTGGCGCAGCTCGTCGCTGTAGGGGGCCAGATGCGTGCGCAGCGCGTCCACATG[G>GGC]GCGCGCGCGCGGTCGCGCATCTCCTCGCCCAGTGGGCTCAGCTTCTCTTGCAGCTCGTGC-3'

ClinVar aggregate classification (germline): Pathogenic/Likely pathogenic. Review status: criteria provided, multiple submitters, no conflicts (2 of 4 stars). 5 submissions from 5 submitters: Pathogenic (2); Likely pathogenic (2). 1 of the submissions does not count toward it. Last evaluated 2026-06-30.

Conditions:
Familial visceral amyloidosis, Ostertag type (AMYLD2). Also called: AMYLOIDOSIS, HEREDITARY SYSTEMIC 2; AMYLOIDOSIS VIII; Hereditary Renal Amyloidosis; Familial visceral amyloidosis; Ostertag type amyloidosis; Amyloidosis, hepatic and systemic. Identifiers: Orphanet 85450, MedGen C0268389, MONDO:0007099, OMIM 105200.
Hypoalphalipoproteinemia, primary, 2. Also called: HIGH DENSITY LIPOPROTEIN DEFICIENCY; HYPOALPHALIPOPROTEINEMIA, PRIMARY, 2, AUTOSOMAL RECESSIVE. Identifiers: MedGen C5551172, MONDO:0032766, OMIM 618463.
Hypoalphalipoproteinemia, primary, 2, intermediate. Also called: HYPOALPHALIPOPROTEINEMIA, PRIMARY, 2, AUTOSOMAL DOMINANT. Identifiers: MedGen C5677030, MONDO:0859238, OMIM 619836.
Cardiovascular phenotype. Identifiers: MedGen CN230736.

Submissions (5):

Ambry Genetics
Classification: Likely pathogenic for Cardiovascular phenotype. Last evaluated: 2026-06-30. Review status: criteria provided, single submitter. Criteria: Ambry Variant Classification Scheme 2023. Collection method: clinical testing. Allele origin: germline.
Comment: The c.532_533dupGC (p.H179PFS*47) alteration, located in exon 4 (coding exon 3) of the APOA1 gene, consists of a duplication of GC at position 532, causing a translational frameshift with a predicted alternate stop codon after 47 amino acids. This variant is not expected to trigger nonsense-mediated mRNA decay and impacts the last 33% of the protein. However, premature stop codons are typically deleterious in nature. for APOA1-related amyloidosis; however, its clinical significance for APOA1-related hypoalphalipoproteinemia is uncertain. This variant was not reported in population-based cohorts in the Genome Aggregation Database (gnomAD). This variant was reported in individual(s) with features consistent with APOA1-related amyloidosis; in at least one individual, it was determined to be de novo (Eriksson, 2009; Cottini, 2019; Groopman, 2019; Colombat, 2020). Based on the available evidence, this alteration is classified as likely pathogenic.

Labcorp Genetics (formerly Invitae), Labcorp
Classification: Pathogenic. Last evaluated: 2024-06-01. Review status: criteria provided, single submitter. Criteria: Invitae Variant Classification Sherloc (09022015). Collection method: clinical testing. Allele origin: germline.
Comment: This sequence change creates a premature translational stop signal (p.His179Profs*47) in the APOA1 gene. While this is not anticipated to result in nonsense mediated decay, it is expected to disrupt the last 89 amino acid(s) of the APOA1 protein. This variant is not present in population databases (gnomAD no frequency). This premature translational stop signal has been observed in individuals with autosomal dominant amyloidosis (PMID: 19324996, 31482740, 32571483; Invitae). This variant is also known as c.460_461dupGC p.Ala155fsX47. ClinVar contains an entry for this variant (Variation ID: 565272). For these reasons, this variant has been classified as Pathogenic.

Revvity Omics, Revvity
Classification: Likely pathogenic. Last evaluated: 2022-10-26. Review status: criteria provided, single submitter. Criteria: ACMG Guidelines, 2015. Collection method: clinical testing. Allele origin: germline.

Fulgent Genetics
Classification: Pathogenic for Familial visceral amyloidosis, Ostertag type; Hypoalphalipoproteinemia, primary, 2; Hypoalphalipoproteinemia, primary, 2, intermediate. Last evaluated: 2022-03-26. Review status: criteria provided, single submitter. Criteria: ACMG Guidelines, 2015. Collection method: clinical testing. Allele origin: unknown.

Gharavi Laboratory, Columbia University
Classification: Pathogenic. Last evaluated: 2018-09-16. Review status: no assertion criteria provided. Criteria: ACMG Guidelines, 2015. Collection method: research. Allele origin: germline. Affected: yes. Not counted in ClinVar's aggregate classification.

Literature cited by the submitters: PubMed 19324996 (cited by Ambry Genetics and Labcorp Genetics (formerly Invitae), Labcorp); PubMed 30586318 (cited by Ambry Genetics); PubMed 31482740 (cited by Ambry Genetics and Labcorp Genetics (formerly Invitae), Labcorp); PubMed 32571483 (cited by Ambry Genetics and Labcorp Genetics (formerly Invitae), Labcorp).